The following is an entry in ClinVar:

ClinVar aggregate classification (germline): Likely benign (0 of 4 stars; one submission).

Conditions:
NTRK3-related disorder. Also called: NTRK3-related condition.

Allele frequency attached by ClinVar (database versions not stated): gnomAD exomes below 0.00001; gnomAD 0.00001.
gnomAD v4.1: 2 of 1,614,072 alleles (0.00012%); highest among the groups gnomAD compares: Admixed American, 0.0033%; no homozygotes.

Submission:

PreventionGenetics, part of Exact Sciences
Classification: Likely benign for NTRK3-related condition. Last evaluated: 2019-02-22. Review status: no assertion criteria provided. Collection method: clinical testing. Allele origin: germline.
Comment: This variant is classified as likely benign based on ACMG/AMP sequence variant interpretation guidelines (Richards et al. 2015 PMID: 25741868, with internal and published modifications).

NM_001012338.3(NTRK3):c.1035C>G (p.Ser345=)

Gene: NTRK3 (neurotrophic receptor tyrosine kinase 3; minus strand). Cytogenetic location: 15q25.3.
Variant type: single nucleotide variant.
Coding change: c.1035C>G on transcript NM_001012338.3 (MANE Select); coding-DNA position 1035, C replaced by G.
Protein change: p.Ser345=; no amino-acid change (serine 345 retained).
Molecular consequence: synonymous variant.
Genome position (GRCh38, 1-based): chr15:88,135,270, G>C on the plus strand (C>G on the coding strand, the complement: NTRK3 is on the minus strand). VCF-style: chr15-88135270-G-C. GRCh37 (hg19) VCF-style: chr15-88678501-G-C.
Other names: c.1035C>G, p.Ser345= (NM_001007155.1, NM_001007156.3, NM_001243101.2 and 7 more transcripts); c.741C>G, p.Ser247= (NM_001320135.2).
Identifiers: ClinVar variation 3046594 (VCV003046594.2), dbSNP rs1389081945, ClinGen allele CA492283084.